The following is an entry in ClinVar:

NM_023110.3(FGFR1):c.-89+278T>C

Gene: FGFR1 (fibroblast growth factor receptor 1; minus strand). Cytogenetic location: 8p11.23.
Variant type: single nucleotide variant.
Coding change: c.-89+278T>C on transcript NM_023110.3 (MANE Select); 278 bases into the intron after 89 bases upstream of the start codon, T replaced by C.
Molecular consequence: intron variant. On other transcripts: 5 prime UTR variant (5).
Genome position (GRCh38, 1-based): chr8:38,467,703, A>G on the plus strand (T>C on the coding strand, the complement: FGFR1 is on the minus strand). VCF-style: chr8-38467703-A-G. GRCh37 (hg19) VCF-style: chr8-38325221-A-G.
Other names: c.-120T>C (NM_001174065.2, NM_001174066.2, NM_001354369.2 and 1 more transcripts); c.-181T>C (NM_001174067.2); c.-89+278T>C (NM_001354368.2, NM_001354370.2, NM_023106.3 and 4 more transcripts); c.-181+278T>C (NM_001174064.2).
Identifiers: ClinVar variation 2658562 (VCV002658562.24), dbSNP rs17175694, ClinGen allele CA175775722.

ClinVar aggregate classification (germline): Benign (1 of 4 stars; one submission).

Allele frequency attached by ClinVar (database versions not stated): 1000 Genomes Project 0.00479; 1000 Genomes Project 30x 0.00531; gnomAD 0.00714; TOPMed 0.00725; gnomAD exomes 0.00857.
gnomAD v4.1: 1,762 of 233,144 alleles (0.76%); highest among the groups gnomAD compares: Non-Finnish European, 1.2%; 12 homozygotes.

Submission:

CeGaT Center for Human Genetics Tuebingen
Classification: Benign. Last evaluated: 2026-08-01. Review status: criteria provided, single submitter. Criteria: CeGaT Center For Human Genetics Tuebingen Variant Classification Criteria Version 2. Collection method: clinical testing. Allele origin: germline. Affected: yes. Observed: 28 variant alleles.
Comment: FGFR1: BS1, BS2